The following is an entry in ClinVar:

ClinVar aggregate classification (germline): Uncertain significance (1 of 4 stars; one submission).

Submission:

Ambry Genetics
Classification: Uncertain significance. Last evaluated: 2023-01-15. Review status: criteria provided, single submitter. Criteria: Ambry Variant Classification Scheme 2023. Collection method: clinical testing. Allele origin: germline.
Comment: The p.L1563M variant (also known as c.4687T>A) is located in coding exon 42 of the KIF1B gene. The leucine at codon 1563 is replaced by methionine, an amino acid with highly similar properties. This change occurs in the first base pair of coding exon 42. This amino acid position is conserved. In addition, this alteration is predicted to be tolerated by in silico analysis. Since supporting evidence is limited at this time, the clinical significance of this alteration remains unclear.

NM_001365951.3(KIF1B):c.4825T>A (p.Leu1609Met)

Gene: KIF1B (kinesin family member 1B; plus strand). Cytogenetic location: 1p36.22.
Variant type: single nucleotide variant.
Coding change: c.4825T>A on transcript NM_001365951.3 (MANE Select); coding-DNA position 4825, T replaced by A.
Protein change: p.Leu1609Met; replaces leucine 1609 with methionine.
Molecular consequence: missense variant.
Genome position (GRCh38, 1-based): chr1:10,371,141, T>A. VCF-style: chr1-10371141-T-A. GRCh37 (hg19) VCF-style: chr1-10431199-T-A.
Other names: c.4825T>A, p.Leu1609Met (NM_001365952.1); c.4687T>A, p.Leu1563Met (NM_015074.3); short protein forms L1609M, L1563M.
Identifiers: ClinVar variation 2448749 (VCV002448749.2), dbSNP rs2521951500, ClinGen allele CA338327084.